The following is an entry in ClinVar:

NM_002485.5(NBN):c.613A>G (p.Ile205Val)

Gene: NBN (nibrin; minus strand). Cytogenetic location: 8q21.3.
Variant type: single nucleotide variant.
Coding change: c.613A>G on transcript NM_002485.5 (MANE Select); coding-DNA position 613, A replaced by G.
Protein change: p.Ile205Val; replaces isoleucine 205 with valine.
Molecular consequence: missense variant.
Genome position (GRCh38, 1-based): chr8:89,971,262, T>C on the plus strand (A>G on the coding strand, the complement: NBN is on the minus strand). VCF-style: chr8-89971262-T-C. GRCh37 (hg19) VCF-style: chr8-90983490-T-C.
Other names: p.I205V:ATT>GTT; c.367A>G, p.Ile123Val (NM_001024688.3); short protein forms I205V, I123V.
Identifiers: ClinVar variation 182714 (VCV000182714.32), dbSNP rs730881845, ClinGen allele CA299596.
Genomic context (GRCh38, chr8:89,971,262, plus strand): 5'-TCCCTTTGAAGATTTGTTTTCTTTCCTGCCGTCCTGACAGATCAACATTTTTACTTCCAA[T>C]AGATGGTTCATCAAGAGGTGGGTAAAAACTGTAAAAATAATTAAAGTATATTCTAATTAT-3'
Protein context (NP_002476.2, residues 195-215): SFYPPLDEPS[Ile205Val]GSKNVDLSGR

ClinVar aggregate classification (germline): Uncertain significance. Review status: criteria provided, multiple submitters, no conflicts (2 of 4 stars). 12 submissions from 12 submitters: Uncertain significance (11). 1 of the submissions does not count toward it. Last evaluated 2025-09-12.

Conditions:
NBN-related disorder. Also called: NBN-related condition.
Acute lymphoid leukemia (ALL). Also called: Acute lymphoblastic leukemia; Acute lymphocytic leukemia; Leukemia, acute lymphoblastic, somatic; Lymphoblastic leukemia. Identifiers: Orphanet 513, MedGen C0023449, MONDO:0004967, OMIM 613065, HP:0006721.
Microcephaly, normal intelligence and immunodeficiency (NBS). Also called: Immunodeficiency, microcephaly with normal intelligence; IMMUNODEFICIENCY, MICROCEPHALY, AND CHROMOSOMAL INSTABILITY; Ataxia telangiectasia variant V1; Nijmegen breakage syndrome; Microcephaly with normal intelligence immunodeficiency and lymphoreticular malignancies; Nonsyndromal microcephaly autosomal recessive with normal intelligence. Identifiers: Orphanet 647, MedGen C0398791, MONDO:0009623, OMIM 251260.
Aplastic anemia. Identifiers: Orphanet 182040, Orphanet 88, MedGen C0002874, MONDO:0015909, OMIM 609135, HP:0001915.
Hereditary cancer-predisposing syndrome. Also called: Neoplastic Syndromes, Hereditary; Tumor predisposition; Hereditary neoplastic syndrome; Hereditary Cancer Syndrome. Identifiers: Orphanet 140162, MedGen C0027672, MeSH D009386, MONDO:0015356.

Allele frequency attached by ClinVar (database versions not stated): ExAC 0.00002; gnomAD 0.00003; gnomAD exomes 0.00004; TOPMed 0.00005.
gnomAD v4.1: 23 of 1,612,920 alleles (0.0014%); highest among the groups gnomAD compares: Middle Eastern, 0.033%; no homozygotes.

Submissions (12):

Quest Diagnostics Nichols Institute San Juan Capistrano
Classification: Uncertain significance. Last evaluated: 2025-09-12. Review status: criteria provided, single submitter. Criteria: Quest Diagnostics criteria. Collection method: clinical testing. Allele origin: unknown.
Comment: The NBN c.613A>G (p.Ile205Val) variant has been reported in the published literature in individuals with Lynch related cancer (PMID: 25980754 (2015)), personal or family history of breast cancer (PMID: 25186627 (2015), 29484706 (2018), 33606809 (2021), 35534704 (2022)), and brain cancer (PMID: 31375768 (2020)). In a large scale breast cancer association study, this variant has been observed in a breast cancer case and reportedly unaffected individuals (PMID: 33471991 (2021), see also LOVD). The frequency of this variant in the general population (Genome Aggregation Database) is uninformative in the assessment of its pathogenicity. Analysis of this variant using bioinformatics tools for the prediction of the effect of amino acid changes on protein structure and function yielded conflicting predictions that this variant is benign or damaging. Based on the available information, we are unable to determine the clinical significance of this variant.

PreventionGenetics, part of Exact Sciences
Classification: Uncertain significance for NBN-related condition. Last evaluated: 2025-02-22. Review status: criteria provided, single submitter. Criteria: ACMG Guidelines, 2015. Collection method: clinical testing. Allele origin: germline.
Comment: The NBN c.613A>G variant is predicted to result in the amino acid substitution p.Ile205Val. This variant has been reported in individuals with breast cancer (Guacci et al. 2018. PubMed ID: 29484706; de Oliveira et al. 2022. PubMed ID: 35534704; Belhadj et al. 2023. PubMed ID: 36346689) and in an individual suspected of having Lynch syndrome (Yurgelun et al. 2015. PubMed ID: 25980754). This variant is reported in 0.012% of alleles in individuals of African descent in gnomAD. This variant is interpreted as uncertain in ClinVar. At this time, the clinical significance of this variant is uncertain due to the absence of conclusive functional and genetic evidence.

Institute for Biomarker Research, Medical Diagnostic Laboratories, L.L.C.
Classification: Uncertain significance for Hereditary cancer-predisposing syndrome. Last evaluated: 2025-01-27. Review status: criteria provided, single submitter. Criteria: ACMG Guidelines, 2015. Collection method: clinical testing. Allele origin: germline.
Comment: The missense variant NM_002485.5(NBN):c.613A>G (p.Ile205Val) has not been reported previously as a pathogenic variant nor as a benign variant, to our knowledge. There is a small physicochemical difference between isoleucine and valine, which is not likely to impact secondary protein structure as these residues share similar properties. The p.Ile205Val missense variant is predicted to be damaging by both SIFT and PolyPhen2. The isoleucine residue at codon 205 of NBN is conserved in all mammalian species. The nucleotide c.613 in NBN is predicted conserved by GERP++ and PhyloP across 100 vertebrates. For these reasons, this variant has been classified as Uncertain Significance.

Women's Health and Genetics/Laboratory Corporation of America, LabCorp
Classification: Uncertain significance. Last evaluated: 2025-01-16. Review status: criteria provided, single submitter. Criteria: LabCorp Variant Classification Summary - May 2015. Collection method: clinical testing. Allele origin: germline.
Comment: Variant summary: NBN c.613A>G (p.Ile205Val) results in a conservative amino acid change in the encoded protein sequence. Four of five in-silico tools predict a damaging effect of the variant on protein function. The variant allele was found at a frequency of 3.6e-05 in 250822 control chromosomes (gnomAD). The available data on variant occurrences in the general population are insufficient to allow any conclusion about variant significance. c.613A>G has been reported in the literature in individuals affected with Lynch syndrome or breast cancer (Yurgelun_2015, Guacci_2018, Sandoval_2021, de Oliveira_2022). These reports do not provide unequivocal conclusions about association of the variant with Nijmegen Breakage Syndrome. To our knowledge, no experimental evidence demonstrating an impact on protein function has been reported. The following publications have been ascertained in the context of this evaluation (PMID: 36346689, 29484706, 33606809, 25980754, 35534704). ClinVar contains an entry for this variant (Variation ID: 182714). Based on the evidence outlined above, the variant was classified as uncertain significance.

Baylor Genetics
Classification: Uncertain significance for Aplastic anemia. Last evaluated: 2024-03-18. Review status: criteria provided, single submitter. Criteria: ACMG Guidelines, 2015. Collection method: clinical testing. Allele origin: unknown.

Fulgent Genetics
Classification: Uncertain significance for Microcephaly, normal intelligence and immunodeficiency; Aplastic anemia; Acute lymphoid leukemia. Last evaluated: 2024-02-01. Review status: criteria provided, single submitter. Criteria: ACMG Guidelines, 2015. Collection method: clinical testing. Allele origin: germline.

Labcorp Genetics (formerly Invitae), Labcorp
Classification: Uncertain significance for Microcephaly, normal intelligence and immunodeficiency. Last evaluated: 2023-12-05. Review status: criteria provided, single submitter. Criteria: Invitae Variant Classification Sherloc (09022015). Collection method: clinical testing. Allele origin: germline.
Comment: This sequence change replaces isoleucine, which is neutral and non-polar, with valine, which is neutral and non-polar, at codon 205 of the NBN protein (p.Ile205Val). This variant is present in population databases (rs730881845, gnomAD 0.01%). This missense change has been observed in individual(s) with a personal or family history of breast cancer, and an individual undergoing genetic testing for suspected Lynch syndrome (PMID: 25980754, 29484706). ClinVar contains an entry for this variant (Variation ID: 182714). An algorithm developed to predict the effect of missense changes on protein structure and function (PolyPhen-2) suggests that this variant is likely to be disruptive. In summary, the available evidence is currently insufficient to determine the role of this variant in disease. Therefore, it has been classified as a Variant of Uncertain Significance.

GeneDx
Classification: Uncertain significance. Last evaluated: 2023-04-04. Review status: criteria provided, single submitter. Criteria: GeneDx Variant Classification Process June 2021. Collection method: clinical testing. Allele origin: germline. Affected: yes.
Comment: In silico analysis supports that this missense variant does not alter protein structure/function; Identified in individuals with breast cancer and in individual(s) with Lynch syndrome-associated cancer and/or polyps (Tung et al., 2015; Yurgelun et al., 2015; Guacci et al., 2018); This variant is associated with the following publications: (PMID: 25186627, 25980754, 24894818, 29484706)

Ambry Genetics
Classification: Uncertain significance for Hereditary cancer-predisposing syndrome. Last evaluated: 2022-10-31. Review status: criteria provided, single submitter. Criteria: Ambry Variant Classification Scheme 2023. Collection method: clinical testing. Allele origin: germline.
Comment: The p.I205V variant (also known as c.613A>G), located in coding exon 6 of the NBN gene, results from an A to G substitution at nucleotide position 613. The isoleucine at codon 205 is replaced by valine, an amino acid with highly similar properties. This amino acid position is highly conserved in available vertebrate species. In addition, the in silico prediction for this alteration is inconclusive. Since supporting evidence is limited at this time, the clinical significance of this alteration remains unclear.

Genome-Nilou Lab
Classification: Uncertain significance for Microcephaly, normal intelligence and immunodeficiency. Last evaluated: 2021-11-07. Review status: criteria provided, single submitter. Criteria: ACMG Guidelines, 2015. Collection method: clinical testing. Allele origin: germline. Affected: no.

Department of Pathology and Laboratory Medicine, Sinai Health System
Classification: Uncertain significance for Microcephaly, normal intelligence and immunodeficiency; Aplastic anemia; Acute lymphoid leukemia. Last evaluated: 2021-07-30. Review status: criteria provided, single submitter. Criteria: ACMG Guidelines, 2015. Collection method: research. Allele origin: germline.

Natera, Inc.
Classification: Uncertain significance for Nijmegen breakage syndrome. Last evaluated: 2020-09-16. Review status: no assertion criteria provided. Collection method: clinical testing. Allele origin: germline. Not counted in ClinVar's aggregate classification.

Literature cited by the submitters: PubMed 25980754 (cited by 3 submitters); PubMed 33471991 (cited by Quest Diagnostics Nichols Institute San Juan Capistrano); PubMed 29484706 (cited by 3 submitters); PubMed 33606809 (cited by Quest Diagnostics Nichols Institute San Juan Capistrano and Women's Health and Genetics/Laboratory Corporation of America, LabCorp); PubMed 35534704 (cited by Quest Diagnostics Nichols Institute San Juan Capistrano and Women's Health and Genetics/Laboratory Corporation of America, LabCorp); PubMed 25186627 (cited by Quest Diagnostics Nichols Institute San Juan Capistrano); PubMed 31375768 (cited by Quest Diagnostics Nichols Institute San Juan Capistrano); PubMed 36346689 (cited by Women's Health and Genetics/Laboratory Corporation of America, LabCorp).